The following is an entry in ClinVar:

ClinVar aggregate classification (germline): Likely benign. Review status: criteria provided, multiple submitters, no conflicts (2 of 4 stars). 2 submissions from 2 submitters: Likely benign (2). Last evaluated 2024-09-16.

Conditions:
Hereditary cancer-predisposing syndrome. Also called: Hereditary Cancer Syndrome; Hereditary neoplastic syndrome; Tumor predisposition; Neoplastic Syndromes, Hereditary. Identifiers: Orphanet 140162, MedGen C0027672, MeSH D009386, MONDO:0015356.

Submissions (2):

Ambry Genetics
Classification: Likely benign for Hereditary cancer-predisposing syndrome. Last evaluated: 2024-09-16. Review status: criteria provided, single submitter. Criteria: Ambry Variant Classification Scheme 2023. Collection method: clinical testing. Allele origin: germline.

Women's Health and Genetics/Laboratory Corporation of America, LabCorp
Classification: Likely benign. Last evaluated: 2020-07-27. Review status: criteria provided, single submitter. Criteria: LabCorp Variant Classification Summary - May 2015. Collection method: clinical testing. Allele origin: germline.
Comment: Variant summary: BRCA2 c.9765G>T alters a non-conserved nucleotide resulting in a synonymous change. Several computational tools predict a significant impact on normal splicing: Four predict the variant creates a cryptic exonic 5' donor site. However, these predictions have yet to be confirmed by functional studies. The variant was absent in 251398 control chromosomes. The available data on variant occurrences in the general population are insufficient to allow any conclusion about variant significance. To our knowledge, no occurrence of c.9765G>T in individuals affected with Hereditary Breast And Ovarian Cancer Syndrome and no experimental evidence demonstrating its impact on protein function have been reported. No clinical diagnostic laboratories have submitted clinical-significance assessments for this variant to ClinVar after 2014. Based on the evidence outlined above, the variant was classified as likely benign.

NM_000059.4(BRCA2):c.9765G>T (p.Gly3255=)

Gene: BRCA2 (BRCA2 DNA repair associated; plus strand). Cytogenetic location: 13q13.1.
Variant type: single nucleotide variant.
Coding change: c.9765G>T on transcript NM_000059.4 (MANE Select); coding-DNA position 9765, G replaced by T.
Protein change: p.Gly3255=; no amino-acid change (glycine 3255 retained).
Molecular consequence: synonymous variant.
Genome position (GRCh38, 1-based): chr13:32,398,278, G>T. VCF-style: chr13-32398278-G-T. GRCh37 (hg19) VCF-style: chr13-32972415-G-T.
Identifiers: ClinVar variation 974995 (VCV000974995.2), dbSNP rs1555289951, ClinGen allele CA483440045.
Genomic context (GRCh38, chr13:32,398,278, plus strand): 5'-CAAAAGGAAGTCTGTTTCCACACCTGTCTCAGCCCAGATGACTTCAAAGTCTTGTAAAGG[G>T]GAGAAAGAGATTGATGACCAAAAGAACTGCAAAAAGAGAAGAGCCTTGGATTTCTTGAGT-3'
Protein context (NP_000050.3, residues 3245-3265): SAQMTSKSCK[Gly3255=]EKEIDDQKNC